The following is an entry in ClinVar:

NM_020170.4(NCLN):c.496C>T (p.Gln166Ter)

Gene: NCLN (nicalin; plus strand). Cytogenetic location: 19p13.3.
Variant type: single nucleotide variant.
Coding change: c.496C>T on transcript NM_020170.4 (MANE Select); coding-DNA position 496, C replaced by T.
Protein change: p.Gln166Ter; replaces glutamine 166 with a stop codon.
Molecular consequence: nonsense.
Genome position (GRCh38, 1-based): chr19:3,193,404, C>T. VCF-style: chr19-3193404-C-T. GRCh37 (hg19) VCF-style: chr19-3193402-C-T.
Other names: c.496C>T, p.Gln166Ter (NM_001321463.2); short protein forms Q166*.
Identifiers: ClinVar variation 375276 (VCV000375276.1), dbSNP rs1057519322, ClinGen allele CA16044028.
Genomic context (GRCh38, chr19:3,193,404, plus strand): 5'-GCCGTGGAGGACGAGGCCCTGCTGTCTATCTACAAGCAGACCCAGGCTGCCTCCGCCTCC[C>T]AGGGCTCCGCCTCTGCTGCTGAAGGTGTGCTCTGGGCTGCAGGGACGGGGCCCGTGGGCG-3'

ClinVar aggregate classification (germline): Likely pathogenic (0 of 4 stars; one submission).

Conditions:
Hirschsprung disease, susceptibility to, 1 (HSCR1). Also called: RET-Related Hirschsprung Disease. Identifiers: Orphanet 388, MedGen C3888239, MONDO:0007723, OMIM 142623.

Submission:

Centre for Genomic Sciences, University of Hong Kong
Classification: Likely pathogenic for Hirschsprung disease, susceptibility to, 1. Last evaluated: 2016-09-26. Review status: no assertion criteria provided. Collection method: in vivo. Allele origin: not applicable. Inheritance: Autosomal dominant inheritance.
Comment: Nonsense mutation